The following is an entry in ClinVar:

NM_006701.5(TXNL4A):c.84C>T (p.Ile28=)

Gene: TXNL4A (thioredoxin like 4A; minus strand). Cytogenetic location: 18q23.
Variant type: single nucleotide variant.
Coding change: c.84C>T on transcript NM_006701.5 (MANE Select); coding-DNA position 84, C replaced by T.
Protein change: p.Ile28=; no amino-acid change (isoleucine 28 retained).
Molecular consequence: synonymous variant. On other transcripts: 5 prime UTR variant (1), non-coding transcript variant (3), intron variant (2).
Genome position (GRCh38, 1-based): chr18:79,988,309, G>A on the plus strand (C>T on the coding strand, the complement: TXNL4A is on the minus strand). VCF-style: chr18-79988309-G-A. GRCh37 (hg19) VCF-style: chr18-77748309-G-A.
Other names: c.-183C>T (NM_001303471.3); c.84C>T, p.Ile28= (NM_001305557.2); c.-60-10608C>T (NM_001305564.2, NM_001305563.2).
Identifiers: ClinVar variation 3044113 (VCV003044113.2), dbSNP rs757909492, ClinGen allele CA9011694.

ClinVar aggregate classification (germline): Likely benign (0 of 4 stars; one submission).

Conditions:
TXNL4A-related disorder. Also called: TXNL4A-related condition.

Allele frequency attached by ClinVar (database versions not stated): ExAC 0.00001; gnomAD exomes 0.00001; TOPMed 0.00009.

Submission:

PreventionGenetics, part of Exact Sciences
Classification: Likely benign for TXNL4A-related condition. Last evaluated: 2019-06-06. Review status: no assertion criteria provided. Collection method: clinical testing. Allele origin: germline.
Comment: This variant is classified as likely benign based on ACMG/AMP sequence variant interpretation guidelines (Richards et al. 2015 PMID: 25741868, with internal and published modifications).